The following is an entry in ClinVar:

ClinVar aggregate classification (germline): Uncertain significance (1 of 4 stars; one submission).

gnomAD v4.1: 11 of 1,614,036 alleles (0.00068%); highest among the groups gnomAD compares: Middle Eastern, 0.033%; no homozygotes.

Submission:

Labcorp Genetics (formerly Invitae), Labcorp
Classification: Uncertain significance. Last evaluated: 2025-09-01. Review status: criteria provided, single submitter. Criteria: Invitae Variant Classification Sherloc (09022015). Collection method: clinical testing. Allele origin: germline.
Comment: This sequence change replaces isoleucine, which is neutral and non-polar, with valine, which is neutral and non-polar, at codon 153 of the NSMCE3 protein (p.Ile153Val). This variant is present in population databases (rs748216127, gnomAD 0.01%). This variant has not been reported in the literature in individuals affected with NSMCE3-related conditions. Invitae Evidence Modeling of protein sequence and biophysical properties (such as structural, functional, and spatial information, amino acid conservation, physicochemical variation, residue mobility, and thermodynamic stability) indicates that this missense variant is not expected to disrupt NSMCE3 protein function with a negative predictive value of 80%. In summary, the available evidence is currently insufficient to determine the role of this variant in disease. Therefore, it has been classified as a Variant of Uncertain Significance.

NM_138704.4(NSMCE3):c.457A>G (p.Ile153Val)

Genes: ENTREP2 (endosomal transmembrane epsin interactor 2; minus strand), NSMCE3 (NSE3 component of SMC5/6 complex; minus strand). Cytogenetic location: 15q13.1.
Variant type: single nucleotide variant.
Coding change: c.457A>G on transcript NM_138704.4 (MANE Select); coding-DNA position 457, A replaced by G.
Protein change: p.Ile153Val; replaces isoleucine 153 with valine.
Molecular consequence: missense variant. On other transcripts: intron variant (5).
Genome position (GRCh38, 1-based): chr15:29,269,249, T>C on the plus strand (A>G on the coding strand, the complement: NSMCE3 is on the minus strand). VCF-style: chr15-29269249-T-C. GRCh37 (hg19) VCF-style: chr15-29561453-T-C.
Other names: c.-12-16771A>G (NM_001387217.1, NM_001387215.1, NM_001387216.1); c.277-16771A>G (NM_001387214.1, NM_015307.2); short protein forms I153V.
Identifiers: ClinVar variation 4698424 (VCV004698424.1).